The following is an entry in ClinVar:

ClinVar aggregate classification (germline): Likely pathogenic (1 of 4 stars; one submission).

Submission:

Labcorp Genetics (formerly Invitae), Labcorp
Classification: Likely pathogenic. Last evaluated: 2025-09-12. Review status: criteria provided, single submitter. Criteria: Invitae Variant Classification Sherloc (09022015). Collection method: clinical testing. Allele origin: germline.
Comment: This sequence change affects a donor splice site in intron 7 of the COL11A2 gene. It is expected to disrupt RNA splicing. Variants that disrupt the donor or acceptor splice site typically lead to a loss of protein function (PMID: 16199547), and loss-of-function variants in COL11A2 are known to be pathogenic (PMID: 10677296, 21204229). This variant is not present in population databases (gnomAD no frequency). This variant has not been reported in the literature in individuals affected with COL11A2-related conditions. Algorithms developed to predict the effect of sequence changes on RNA splicing suggest that this variant may disrupt the consensus splice site. In summary, the currently available evidence indicates that the variant is pathogenic, but additional data are needed to prove that conclusively. Therefore, this variant has been classified as Likely Pathogenic.

Literature cited by the submitters: PubMed 16199547; PubMed 10677296; PubMed 21204229.

NM_080680.3(COL11A2):c.939+1G>C

Gene: COL11A2 (collagen type XI alpha 2 chain; minus strand). Cytogenetic location: 6p21.32.
Variant type: single nucleotide variant.
Coding change: c.939+1G>C on transcript NM_080680.3 (MANE Select); the canonical splice donor site of the intron after coding-DNA position 939, G replaced by C.
Molecular consequence: splice donor variant. On other transcripts: intron variant (1).
Genome position (GRCh38, 1-based): chr6:33,184,991, C>G on the plus strand (G>C on the coding strand, the complement: COL11A2 is on the minus strand). VCF-style: chr6-33184991-C-G. GRCh37 (hg19) VCF-style: chr6-33152768-C-G.
Other names: c.93+1G>C (NM_001424111.1, NM_001424110.1, NM_001424109.1); c.798+1636G>C (NM_080679.3); c.861+1G>C (NM_080681.3); c.939+1G>C (NM_001424108.1).
Identifiers: ClinVar variation 4727065 (VCV004727065.1).